The following is an entry in ClinVar:

NM_001165963.4(SCN1A):c.5504_5512del (p.Leu1835_Pro1837del)

Genes: SCN1A (sodium voltage-gated channel alpha subunit 1; minus strand), LOC102724058 (uncharacterized LOC102724058; plus strand). Cytogenetic location: 2q24.3.
Variant type: Deletion.
Coding change: c.5504_5512del on transcript NM_001165963.4 (MANE Select); coding-DNA positions 5504 to 5512, 9 bases deleted (TTGAACCGC; older notation c.5504_5512delTTGAACCGC).
Protein change: p.Leu1835_Pro1837del.
Molecular consequence: inframe deletion. On other transcripts: non-coding transcript variant (1).
Genome position (GRCh38, 1-based): chr2:165,991,763-165,991,771, GCGGTTCAA deleted on the plus strand (TTGAACCGC on the coding strand, the reverse complement: SCN1A is on the minus strand); deleting any 9 consecutive bases within chr2:165,991,763-165,991,774 gives the same sequence; the c. name uses the placement nearest the transcript's 3' end. VCF-style (leftmost placement, unchanged base first): chr2-165991762-GGCGGTTCAA-G. GRCh37 (hg19) VCF-style: chr2-166848272-GGCGGTTCAA-G.
Other names: c.5420_5428del, p.Leu1807_Pro1809del (NM_001165964.3, NM_001353957.2, NM_001353958.2); c.5504_5512del, p.Leu1835_Pro1837del (NM_001202435.3, NM_001353948.2); c.5471_5479del, p.Leu1824_Pro1826del (NM_001353949.2, NM_001353950.2, NM_001353951.2 and 2 more transcripts); c.5468_5476del, p.Leu1823_Pro1825del (NM_001353954.2, NM_001353955.2); c.5417_5425del, p.Leu1806_Pro1808del (NM_001353960.2); c.3062_3070del, p.Leu1021_Pro1023del (NM_001353961.2).
Identifiers: ClinVar variation 208410 (VCV000208410.3), dbSNP rs797044983, ClinGen allele CA319671.

ClinVar aggregate classification (germline): Pathogenic. Review status: criteria provided, multiple submitters, no conflicts (2 of 4 stars). 2 submissions from 2 submitters: Pathogenic (2). Last evaluated 2025-09-24.

Conditions:
Early-infantile DEE. Also called: Ohtahara syndrome; Early infantile epileptic encephalopathy; Early infantile epileptic encephalopathy with suppression bursts. Identifiers: Orphanet 1934, MedGen C0393706, MONDO:0800491.

Submissions (2):

Labcorp Genetics (formerly Invitae), Labcorp
Classification: Pathogenic for Early-infantile DEE. Last evaluated: 2025-09-24. Review status: criteria provided, single submitter. Criteria: Invitae Variant Classification Sherloc (09022015). Collection method: clinical testing. Allele origin: germline.
Comment: This variant, c.5504_5512del, results in the deletion of 3 amino acid(s) of the SCN1A protein (p.Leu1835_Pro1837del), but otherwise preserves the integrity of the reading frame. This variant is not present in population databases (gnomAD no frequency). This variant has been observed in individual(s) with clinical features of SCN1A-related conditions (PMID: 29655203). ClinVar contains an entry for this variant (Variation ID: 208410). This variant disrupts a region of the SCN1A protein in which other variant(s) (p.Leu1835Phe) have been determined to be pathogenic (PMID: 18930999). This suggests that this is a clinically significant region of the protein, and that variants that disrupt it are likely to be disease-causing. For these reasons, this variant has been classified as Pathogenic.

GeneDx
Classification: Pathogenic. Last evaluated: 2013-08-08. Review status: criteria provided, single submitter. Criteria: GeneDx Variant Classification (06012015). Collection method: clinical testing. Allele origin: germline. Affected: yes.
Comment: c.5504_5512delTTGAACCGC: p.Leu1835_Pro1837del (L1835_P1837del) in exon 26 of the SCN1A gene (NM_006920.4). The normal sequence with the bases that are deleted in braces is: GCGC{TTGAACCGC}CTCT. The c.5504_5512delTTGAACCGC variant in the SCN1A gene has not been published as a mutation, nor has it been reported as a benign polymorphism to our knowledge. It results in an in-frame deletion of three conserved amino acids in the C-terminal region of the protein, beginning at codon Leucine 1835 and ending at codon Proline 1837. A missense mutation that alters one of the amino acids deleted (Leu1835Phe), has been previously published in association with Dravet syndrome (Depienne et al., 2009). Additionally, multiple other missense mutations have been reported at nearby codons in an external mutation database, confirming the functional importance of this region of the protein. Therefore, based on the currently available information, c.5504_5512delTTGAACCGC is a strong candidate for a disease-causing mutation. This variant has been observed de novo without verified parentage. The variant is found in EPILEPSY panel(s).

Literature cited by the submitters: PubMed 29655203 (cited by Labcorp Genetics (formerly Invitae), Labcorp); PubMed 18930999 (cited by Labcorp Genetics (formerly Invitae), Labcorp).